The following is an entry in ClinVar:

ClinVar aggregate classification (germline): Uncertain significance (1 of 4 stars; one submission).

Conditions:
Hypertrophic cardiomyopathy. Also called: HYPERTROPHIC MYOCARDIOPATHY. Identifiers: Orphanet 217569, MedGen C0007194, MeSH D002312, MONDO:0005045, HP:0001639.

Submission:

Labcorp Genetics (formerly Invitae), Labcorp
Classification: Uncertain significance for Hypertrophic cardiomyopathy. Last evaluated: 2019-10-30. Review status: criteria provided, single submitter. Criteria: Invitae Variant Classification Sherloc (09022015). Collection method: clinical testing. Allele origin: germline.
Comment: This variant results in a copy number gain of the genomic region encompassing the full coding sequence of the TPM1 gene. The boundaries of this event are unknown as they extend beyond the assayed region for this gene and therefore may encompass additional genes. As the precise location of this event is unknown, it may be in tandem or it may be located elsewhere in the genome. This variant has not been reported in the literature in individuals with TPM1-related conditions. Experimental studies and prediction algorithms are not available or were not evaluated, and the functional significance of this variant is currently unknown. In summary, the available evidence is currently insufficient to determine the role of this variant in disease. Therefore, it has been classified as a Variant of Uncertain Significance.

NC_000015.10:g.(?_63042820)_(63869153_?)dup

Genes: USP3 (ubiquitin specific peptidase 3; plus strand), APH1B (aph-1B gamma-secretase subunit; plus strand), CA12 (carbonic anhydrase 12; minus strand), FBXL22 (F-box and leucine rich repeat protein 22; plus strand), HERC1 (HECT and RLD domain containing E3 ubiquitin protein ligase family member 1; minus strand) and 4 more. Cytogenetic location: 15q22.2-22.31.
Variant type: Duplication.
Identifiers: ClinVar variation 833184 (VCV000833184.3).